The following is an entry in ClinVar:

Conditions:
Breast-ovarian cancer, familial, susceptibility to, 1 (BROVCA1). Also called: BRCA1 Hereditary Breast and Ovarian Cancer; OVARIAN CANCER, SUSCEPTIBILITY TO. Identifiers: Orphanet 145, MedGen C2676676, MONDO:0011450, OMIM 604370. Disease mechanism: loss of function.

Submission:

Brotman Baty Institute, University of Washington
No classification provided (evidence only). Condition: Breast-ovarian cancer, familial 1. Review status: no classification provided. Collection method: in vitro. Allele origin: not applicable. Functional consequence: functionally_normal.
ClinVar note: "not provided" was previously submitted as the classification for the variant. However, the classification appeared to be based only on an observation of functional data so it was converted to no classification on 2025-07-30.

NM_007294.4(BRCA1):c.5085T>C (p.Phe1695=)

Gene: BRCA1 (BRCA1 DNA repair associated; minus strand). Cytogenetic location: 17q21.31.
Variant type: single nucleotide variant.
Coding change: c.5085T>C on transcript NM_007294.4 (MANE Select); coding-DNA position 5085, T replaced by C.
Protein change: p.Phe1695=; no amino-acid change (phenylalanine 1695 retained).
Molecular consequence: synonymous variant. On other transcripts: intron variant (2).
Genome position (GRCh38, 1-based): chr17:43,063,941, A>G on the plus strand (T>C on the coding strand, the complement: BRCA1 is on the minus strand). VCF-style: chr17-43063941-A-G. GRCh37 (hg19) VCF-style: chr17-41215958-A-G.
Other names: c.4872T>C, p.Phe1624= (NM_001407571.1, NM_001407894.1, NM_001407895.1 and 12 more transcripts); c.5151T>C, p.Phe1717= (NM_001407581.1, NM_001407582.1); c.5148T>C, p.Phe1716= (NM_001407583.1, NM_001407585.1, NM_001407587.1 and 1 more transcripts); c.5145T>C, p.Phe1715= (NM_001407590.1, NM_001407591.1); c.5085T>C, p.Phe1695= (NM_001407593.1, NM_001407594.1, NM_001407596.1 and 7 more transcripts); c.5082T>C, p.Phe1694= (NM_001407610.1, NM_001407611.1, NM_001407612.1 and 17 more transcripts); c.5079T>C, p.Phe1693= (NM_001407627.1, NM_001407628.1, NM_001407629.1 and 14 more transcripts); c.5076T>C, p.Phe1692= (NM_001407644.1, NM_001407645.1); and 73 more.
Identifiers: ClinVar variation 869013 (VCV000869013.3), dbSNP rs80357387, ClinGen allele CA500146214.